The following is an entry in ClinVar:

NM_006016.6(CD164):c.175+640A>T

Gene: CD164 (CD164 molecule; minus strand). Cytogenetic location: 6q21.
Variant type: single nucleotide variant.
Coding change: c.175+640A>T on transcript NM_006016.6 (MANE Select); 640 bases into the intron after coding-DNA position 175, A replaced by T.
Molecular consequence: intron variant. On other transcripts: nonsense (1).
Genome position (GRCh38, 1-based): chr6:109,381,564, T>A on the plus strand (A>T on the coding strand, the complement: CD164 is on the minus strand). VCF-style: chr6-109381564-T-A. GRCh37 (hg19) VCF-style: chr6-109702767-T-A.
Other names: c.13A>T, p.Arg5Ter (NM_001346500.2); c.175+640A>T (NM_001142401.3, NM_001142402.3, NM_001142404.3 and 1 more transcripts); short protein forms R5*.
Identifiers: ClinVar variation 2656826 (VCV002656826.26), dbSNP rs548129524, ClinGen allele CA3951671.

ClinVar aggregate classification (germline): Conflicting classifications of pathogenicity. Review status: criteria provided, conflicting classifications (1 of 4 stars). 3 submissions from 3 submitters: Likely pathogenic (1); Benign (1); Likely benign (1). Last evaluated 2024-11-13.

Conditions:
Autosomal dominant nonsyndromic hearing loss 66. Also called: Deafness, autosomal dominant 66. Identifiers: Orphanet 90635, MedGen C4283893, MONDO:0014854, OMIM 616969.

Allele frequency attached by ClinVar (database versions not stated): 1000 Genomes Project 0.00339; 1000 Genomes Project 30x 0.00390; ExAC 0.00697.
gnomAD v4.1: 730 of 702,624 alleles (0.1%); highest among the groups gnomAD compares: South Asian, 1.1%; 14 homozygotes.

Submissions (3):

Blueprint Genetics
Classification: Likely benign. Last evaluated: 2024-11-13. Review status: criteria provided, single submitter. Criteria: ACMG Guidelines, 2015. Collection method: clinical testing. Allele origin: germline.

CeGaT Center for Human Genetics Tuebingen
Classification: Benign. Last evaluated: 2023-08-01. Review status: criteria provided, single submitter. Criteria: CeGaT Center For Human Genetics Tuebingen Variant Classification Criteria Version 2. Collection method: clinical testing. Allele origin: germline. Affected: yes. Observed: 1 variant allele.
Comment: CD164: BS1, BS2

Dr. Oladnabi Research Group, Golestan University of Medical Sciences
Classification: Likely pathogenic for Autosomal dominant nonsyndromic hearing loss 66. Review status: criteria provided, single submitter. Criteria: ACMG Guidelines, 2015. Collection method: clinical testing. Allele origin: germline. Inheritance: Autosomal dominant inheritance. Affected: yes. Observed: 1 variant allele, 1 heterozygote.
Comment: The CD164 variant (c.13A>T) is predicted to alter the normal function of the encoded protein and has been associated with autosomal dominant deafness type 66 (DFNA66). According to ACMG guidelines, this variant is classified as likely pathogenic, supported by PS4 (Strong)—due to its increased prevalence in affected individuals compared with controls—and PM2 (Moderate)—as the variant is absent or extremely rare in large population databases such as gnomAD.

Literature cited by the submitters: PubMed 26197441 (cited by Dr. Oladnabi Research Group, Golestan University of Medical Sciences).